The following is an entry in ClinVar:

ClinVar aggregate classification (germline): Uncertain significance (1 of 4 stars; one submission).

Conditions:
Inborn genetic diseases. Identifiers: MedGen C0950123, MeSH D030342.

Submission:

Ambry Genetics
Classification: Uncertain significance for Inborn genetic diseases. Last evaluated: 2023-12-07. Review status: criteria provided, single submitter. Criteria: Ambry Variant Classification Scheme 2023. Collection method: clinical testing. Allele origin: germline.
Comment: The p.A578G variant (also known as c.1733C>G), located in coding exon 12 of the EPAS1 gene, results from a C to G substitution at nucleotide position 1733. The alanine at codon 578 is replaced by glycine, an amino acid with similar properties. This amino acid position is conserved. In addition, this alteration is predicted to be tolerated by in silico analysis. Since supporting evidence is limited at this time, the clinical significance of this alteration remains unclear.

NM_001430.5(EPAS1):c.1733C>G (p.Ala578Gly)

Gene: EPAS1 (endothelial PAS domain protein 1; plus strand). Cytogenetic location: 2p21.
Variant type: single nucleotide variant.
Coding change: c.1733C>G on transcript NM_001430.5 (MANE Select); coding-DNA position 1733, C replaced by G.
Protein change: p.Ala578Gly; replaces alanine 578 with glycine.
Molecular consequence: missense variant.
Genome position (GRCh38, 1-based): chr2:46,380,405, C>G. VCF-style: chr2-46380405-C-G. GRCh37 (hg19) VCF-style: chr2-46607544-C-G.
Other names: short protein forms A578G.
Identifiers: ClinVar variation 3221573 (VCV003221573.1), dbSNP rs776284833, ClinGen allele CA346704767.